The following is an entry in ClinVar:

NM_198428.3(BBS9):c.1236C>T (p.Asn412=)

Gene: BBS9 (Bardet-Biedl syndrome 9; plus strand). Cytogenetic location: 7p14.3.
Variant type: single nucleotide variant.
Coding change: c.1236C>T on transcript NM_198428.3 (MANE Select); coding-DNA position 1236, C replaced by T.
Protein change: p.Asn412=; no amino-acid change (asparagine 412 retained).
Molecular consequence: synonymous variant. On other transcripts: non-coding transcript variant (3).
Genome position (GRCh38, 1-based): chr7:33,340,934, C>T. VCF-style: chr7-33340934-C-T. GRCh37 (hg19) VCF-style: chr7-33380546-C-T.
Other names: c.1236C>T, p.Asn412= (NM_001033604.2, NM_001033605.2, NM_001348036.1 and 5 more transcripts); c.870C>T, p.Asn290= (NM_001348037.3, NM_001348044.3, NM_001348045.3 and 1 more transcripts); c.963C>T, p.Asn321= (NM_001348038.3, NM_001348039.3); c.1101C>T, p.Asn367= (NM_001348042.3).
Identifiers: ClinVar variation 912146 (VCV000912146.15), dbSNP rs139235142, ClinGen allele CA4214224.

ClinVar aggregate classification (germline): Conflicting classifications of pathogenicity. Review status: criteria provided, conflicting classifications (1 of 4 stars). 4 submissions from 4 submitters: Uncertain significance (1); Benign (1); Likely benign (1). 1 of the submissions does not count toward it. Last evaluated 2026-01-28.

Conditions:
BBS9-related disorder. Also called: BBS9-related condition.
Bardet-Biedl syndrome (BBS). Identifiers: Orphanet 110, MedGen C0752166, MONDO:0015229.
Bardet-Biedl syndrome 9 (BBS9). Identifiers: Orphanet 110, MedGen C1859567, MONDO:0014437, OMIM 615986.

Allele frequency attached by ClinVar (database versions not stated): gnomAD 0.00003 and 0.00005; TOPMed 0.00008; ExAC 0.00022; gnomAD exomes 0.00025; 1000 Genomes Project 30x 0.00031; 1000 Genomes Project 0.00040.
gnomAD v4.1: 64 of 1,613,480 alleles (0.004%); highest among the groups gnomAD compares: East Asian, 0.11%; no homozygotes.

Submissions (4):

Labcorp Genetics (formerly Invitae), Labcorp
Classification: Benign for Bardet-Biedl syndrome. Last evaluated: 2026-01-28. Review status: criteria provided, single submitter. Criteria: Invitae Variant Classification Sherloc (09022015). Collection method: clinical testing. Allele origin: germline.

Blueprint Genetics
Classification: Likely benign. Last evaluated: 2024-02-20. Review status: criteria provided, single submitter. Criteria: ACMG Guidelines, 2015. Collection method: clinical testing. Allele origin: germline.

Illumina Laboratory Services, Illumina
Classification: Uncertain significance for Bardet-Biedl syndrome 9. Last evaluated: 2018-01-12. Review status: criteria provided, single submitter. Criteria: ICSL Variant Classification Criteria 13 December 2019. Collection method: clinical testing. Allele origin: germline.

PreventionGenetics, part of Exact Sciences
Classification: Likely benign for BBS9-related condition. Last evaluated: 2023-10-25. Review status: no assertion criteria provided. Collection method: clinical testing. Allele origin: germline. Not counted in ClinVar's aggregate classification.
Comment: This variant is classified as likely benign based on ACMG/AMP sequence variant interpretation guidelines (Richards et al. 2015 PMID: 25741868, with internal and published modifications).